The following is an entry in ClinVar:

ClinVar aggregate classification (germline): Uncertain significance. Review status: criteria provided, single submitter (1 of 4 stars). 2 submissions from 2 submitters: Uncertain significance (1). 1 of the submissions does not count toward it. Last evaluated 2023-11-20.

Conditions:
Retinal dystrophy. Also called: Inherited retinal dystrophy. Identifiers: Orphanet 71862, MedGen C0854723, MeSH D058499, MONDO:0019118, HP:0000556.

Submissions (2):

Labcorp Genetics (formerly Invitae), Labcorp
Classification: Uncertain significance. Last evaluated: 2023-11-20. Review status: criteria provided, single submitter. Criteria: Invitae Variant Classification Sherloc (09022015). Collection method: clinical testing. Allele origin: germline.
Comment: This sequence change replaces asparagine, which is neutral and polar, with lysine, which is basic and polar, at codon 83 of the RBP3 protein (p.Asn83Lys). This variant is not present in population databases (gnomAD no frequency). This missense change has been observed in individual(s) with inherited retinal disease (PMID: 26872967). ClinVar contains an entry for this variant (Variation ID: 224750). Algorithms developed to predict the effect of missense changes on protein structure and function output the following: SIFT: "Not Available"; PolyPhen-2: "Probably Damaging"; Align-GVGD: "Not Available". The lysine amino acid residue is found in multiple mammalian species, which suggests that this missense change does not adversely affect protein function. In summary, the available evidence is currently insufficient to determine the role of this variant in disease. Therefore, it has been classified as a Variant of Uncertain Significance.

Centre for Genomic Medicine, Manchester, Central Manchester University Hospitals
Classification: Likely pathogenic for Retinal dystrophy. Last evaluated: 2015-01-30. Review status: no assertion criteria provided. Collection method: clinical testing. Allele origin: germline. Affected: yes. Not counted in ClinVar's aggregate classification.

Literature cited by the submitters: PubMed 26872967 (cited by Labcorp Genetics (formerly Invitae), Labcorp and Centre for Genomic Medicine, Manchester, Central Manchester University Hospitals).

NM_002900.3(RBP3):c.249C>A (p.Asn83Lys)

Gene: RBP3 (retinol binding protein 3; plus strand). Cytogenetic location: 10q11.22.
Variant type: single nucleotide variant.
Coding change: c.249C>A on transcript NM_002900.3 (MANE Select); coding-DNA position 249, C replaced by A.
Protein change: p.Asn83Lys; replaces asparagine 83 with lysine.
Molecular consequence: missense variant.
Genome position (GRCh38, 1-based): chr10:47,348,733, C>A. VCF-style: chr10-47348733-C-A. GRCh37 (hg19) VCF-style: chr10-48390629-G-T.
Other names: short protein forms N83K.
Identifiers: ClinVar variation 224750 (VCV000224750.12), dbSNP rs782215106, ClinGen allele CA351439.